The following is an entry in ClinVar:

ClinVar aggregate classification (germline): Likely benign (1 of 4 stars; one submission).

Allele frequency attached by ClinVar (database versions not stated): 1000 Genomes Project 0.02236; 1000 Genomes Project 30x 0.02295; gnomAD 0.02412 and 0.02428; TOPMed 0.02553.
gnomAD v4.1: 3,688 of 152,084 alleles (2.4%); highest among the groups gnomAD compares: Middle Eastern, 6.5%; 50 homozygotes.

Submission:

GeneDx
Classification: Likely benign. Last evaluated: 2018-06-18. Review status: criteria provided, single submitter. Criteria: GeneDx Variant Classification (06012015). Collection method: clinical testing. Allele origin: germline. Affected: yes.
Comment: This variant is considered likely benign or benign based on one or more of the following criteria: it is a conservative change, it occurs at a poorly conserved position in the protein, it is predicted to be benign by multiple in silico algorithms, and/or has population frequency not consistent with disease.

NM_144573.4(NEXN):c.864+231A>G

Gene: NEXN (nexilin F-actin binding protein; plus strand). Cytogenetic location: 1p31.1.
Variant type: single nucleotide variant.
Coding change: c.864+231A>G on transcript NM_144573.4 (MANE Select); 231 bases into the intron after coding-DNA position 864, A replaced by G.
Molecular consequence: intron variant.
Genome position (GRCh38, 1-based): chr1:77,927,123, A>G. VCF-style: chr1-77927123-A-G. GRCh37 (hg19) VCF-style: chr1-78392808-A-G.
Other names: c.672+231A>G (NM_001172309.2).
Identifiers: ClinVar variation 678696 (VCV000678696.1), dbSNP rs111357417, ClinGen allele CA24679286.